The following is an entry in ClinVar:

NM_031935.3(HMCN1):c.15574+4T>C

Gene: HMCN1 (hemicentin 1; plus strand). Cytogenetic location: 1q31.1.
Variant type: single nucleotide variant.
Coding change: c.15574+4T>C on transcript NM_031935.3 (MANE Select); 4 bases into the intron after coding-DNA position 15574, T replaced by C.
Molecular consequence: intron variant.
Genome position (GRCh38, 1-based): chr1:186,166,946, T>C. VCF-style: chr1-186166946-T-C. GRCh37 (hg19) VCF-style: chr1-186136078-T-C.
Identifiers: ClinVar variation 1978172 (VCV001978172.5), dbSNP rs766554940, ClinGen allele CA527683357.

ClinVar aggregate classification (germline): Uncertain significance (1 of 4 stars; one submission).

Allele frequency attached by ClinVar (database versions not stated): gnomAD 0.00001; gnomAD exomes 0.00001.
gnomAD v4.1: 6 of 1,613,956 alleles (0.00037%); highest among the groups gnomAD compares: Middle Eastern, 0.016%; no homozygotes.

Submission:

Labcorp Genetics (formerly Invitae), Labcorp
Classification: Uncertain significance. Last evaluated: 2023-01-31. Review status: criteria provided, single submitter. Criteria: Invitae Variant Classification Sherloc (09022015). Collection method: clinical testing. Allele origin: germline.
Comment: This sequence change falls in intron 100 of the HMCN1 gene. It does not directly change the encoded amino acid sequence of the HMCN1 protein. It affects a nucleotide within the consensus splice site. This variant is present in population databases (no rsID available, gnomAD 0.003%). In summary, the available evidence is currently insufficient to determine the role of this variant in disease. Therefore, it has been classified as a Variant of Uncertain Significance. Variants that disrupt the consensus splice site are a relatively common cause of aberrant splicing (PMID: 17576681, 9536098). Algorithms developed to predict the effect of sequence changes on RNA splicing suggest that this variant is not likely to affect RNA splicing. This variant has not been reported in the literature in individuals affected with HMCN1-related conditions.

Literature cited by the submitters: PubMed 17576681; PubMed 9536098.